The following is an entry in ClinVar:

ClinVar aggregate classification (germline): Pathogenic (1 of 4 stars; one submission).

Submission:

Labcorp Genetics (formerly Invitae), Labcorp
Classification: Pathogenic. Last evaluated: 2022-07-28. Review status: criteria provided, single submitter. Criteria: Invitae Variant Classification Sherloc (09022015). Collection method: clinical testing. Allele origin: germline.
Comment: For these reasons, this variant has been classified as Pathogenic. ClinVar contains an entry for this variant (Variation ID: 1073575). This variant has not been reported in the literature in individuals affected with MYH14-related conditions. This variant is not present in population databases (gnomAD no frequency). This sequence change creates a premature translational stop signal (p.Leu319Serfs*12) in the MYH14 gene. It is expected to result in an absent or disrupted protein product. Loss-of-function variants in MYH14 are known to be pathogenic (PMID: 15015131, 28221712).

Literature cited by the submitters: PubMed 15015131; PubMed 28221712.

NM_001145809.2(MYH14):c.979del (p.Leu327fs)

Gene: MYH14 (myosin heavy chain 14; plus strand). Cytogenetic location: 19q13.33.
Variant type: Deletion.
Coding change: c.979del on transcript NM_001145809.2 (MANE Select); coding-DNA position 979, one base deleted (C; older notation c.979delC).
Protein change: p.Leu327fs; shifts the reading frame from leucine 327.
Molecular consequence: frameshift variant.
Genome position (GRCh38, 1-based): chr19:50,231,935, C deleted; the last of 2 consecutive C bases (chr19:50,231,934-50,231,935); deleting either gives the same sequence. VCF-style (leftmost placement, unchanged base first): chr19-50231933-AC-A. GRCh37 (hg19) VCF-style: chr19-50735190-AC-A.
Other names: c.979del, p.Leu327fs (NM_001077186.2); c.955del, p.Leu319fs (NM_024729.4); short protein forms L319fs, L327fs.
Identifiers: ClinVar variation 1073575 (VCV001073575.7), dbSNP rs2123237278, ClinGen allele CA2499225553.